The following is an entry in ClinVar:

ClinVar aggregate classification (germline): Uncertain significance (1 of 4 stars; one submission).

Submission:

Labcorp Genetics (formerly Invitae), Labcorp
Classification: Uncertain significance. Last evaluated: 2022-03-17. Review status: criteria provided, single submitter. Criteria: Invitae Variant Classification Sherloc (09022015). Collection method: clinical testing. Allele origin: germline.
Comment: In summary, the available evidence is currently insufficient to determine the role of this variant in disease. Therefore, it has been classified as a Variant of Uncertain Significance. Experimental studies and prediction algorithms are not available or were not evaluated, and the functional significance of this variant is currently unknown. This variant has not been reported in the literature in individuals affected with DMXL2-related conditions. This variant is present in population databases (rs754270814, gnomAD 0.0009%). This variant, c.5613_5615del, results in the deletion of 1 amino acid(s) of the DMXL2 protein (p.Lys1871del), but otherwise preserves the integrity of the reading frame.

NM_001378457.1(DMXL2):c.5610GAA[1] (p.Lys1871del)

Gene: DMXL2 (Dmx like 2; minus strand). Cytogenetic location: 15q21.2.
Variant type: Microsatellite.
Coding change: c.5610GAA[1] on transcript NM_001378457.1 (MANE Select); one copy of the 3-base unit GAA starting at c.5610; the reference has two copies in a row; one copy, 3 bases deleted.
Protein change: p.Lys1871del; deletes lysine 1871.
Molecular consequence: inframe deletion. On other transcripts: non-coding transcript variant (2).
Genome position (GRCh38, 1-based): chr15:51,481,491-51,481,493, TTC deleted on the plus strand (GAA on the coding strand, the reverse complement: DMXL2 is on the minus strand); deleting any 3 consecutive bases within chr15:51,481,491-51,481,497 gives the same sequence; the position shown is the placement nearest the transcript's 3' end. VCF-style (leftmost placement, unchanged base first): chr15-51481490-GTTC-G. GRCh37 (hg19) VCF-style: chr15-51773687-GTTC-G.
Other names: c.5610GAA[1], p.Lys1871del (NM_001174116.3, NM_001378458.1, NM_001378459.1 and 4 more transcripts); c.3702GAA[1], p.Lys1235del (NM_001174117.3); c.3591GAA[1], p.Lys1198del (NM_001378460.1); c.5370GAA[1], p.Lys1791del (NM_001378464.1); short protein forms K1198del, K1791del, K1871del, K1235del.
Identifiers: ClinVar variation 1923176 (VCV001923176.5), dbSNP rs754270814, ClinGen allele CA7561766.
Genomic context (GRCh38, chr15:51,481,490, plus strand): 5'-ATGAGCATTTGCAGTGGTAAAGAATAATTTTCTTTCTATGAGGTTAATTTTATCAACAAA[GTTC>G]TTCTCAGTTTTGAGACCTAAGGTTGCCAAAGTTCCTTCAGGGGAGGCAAGATTTCTTCGA-3'